The following is an entry in ClinVar:

NM_006277.3(ITSN2):c.4657A>C (p.Lys1553Gln)

Gene: ITSN2 (intersectin 2; minus strand). Cytogenetic location: 2p23.3.
Variant type: single nucleotide variant.
Coding change: c.4657A>C on transcript NM_006277.3 (MANE Select); coding-DNA position 4657, A replaced by C.
Protein change: p.Lys1553Gln; replaces lysine 1553 with glutamine.
Molecular consequence: missense variant.
Genome position (GRCh38, 1-based): chr2:24,208,258, T>G on the plus strand (A>C on the coding strand, the complement: ITSN2 is on the minus strand). VCF-style: chr2-24208258-T-G. GRCh37 (hg19) VCF-style: chr2-24431127-T-G.
Other names: c.4615A>C, p.Lys1539Gln (NM_001348181.2); c.4537A>C, p.Lys1513Gln (NM_001348182.2); c.4576A>C, p.Lys1526Gln (NM_019595.4); short protein forms K1513Q, K1526Q, K1539Q, K1553Q.
Identifiers: ClinVar variation 3055534 (VCV003055534.2), dbSNP rs3208747, ClinGen allele CA1550497.

ClinVar aggregate classification (germline): Likely benign (0 of 4 stars; one submission).

Conditions:
ITSN2-related disorder. Also called: ITSN2-related condition.

Allele frequency attached by ClinVar (database versions not stated): 1000 Genomes Project 0.00060; TOPMed 0.00159; gnomAD exomes 0.00181; gnomAD 0.00211; ExAC 0.00212; ESP Exome Variant Server 0.00223.
gnomAD v4.1: 3,002 of 1,611,670 alleles (0.19%); highest among the groups gnomAD compares: Middle Eastern, 0.23%; 16 homozygotes.

Submission:

PreventionGenetics, part of Exact Sciences
Classification: Likely benign for ITSN2-related condition. Last evaluated: 2020-12-09. Review status: no assertion criteria provided. Collection method: clinical testing. Allele origin: germline.
Comment: This variant is classified as likely benign based on ACMG/AMP sequence variant interpretation guidelines (Richards et al. 2015 PMID: 25741868, with internal and published modifications).